The following is an entry in ClinVar:

ClinVar aggregate classification (germline): Likely benign. Review status: criteria provided, single submitter (1 of 4 stars). 2 submissions from 2 submitters: Likely benign (1). 1 of the submissions does not count toward it. Last evaluated 2020-06-03.

Conditions:
CREBBP-related disorder. Also called: CREBBP-related condition; CREBBP-related disorders.
Inborn genetic diseases. Identifiers: MedGen C0950123, MeSH D030342.

Allele frequency attached by ClinVar (database versions not stated): ExAC 0.00001; gnomAD 0.00001; gnomAD exomes 0.00001; TOPMed 0.00001.
gnomAD v4.1: 16 of 1,613,598 alleles (0.00099%); highest among the groups gnomAD compares: Non-Finnish European, 0.0013%; no homozygotes.

Submissions (2):

Ambry Genetics
Classification: Likely benign for Inborn genetic diseases. Last evaluated: 2020-06-03. Review status: criteria provided, single submitter. Criteria: Ambry Variant Classification Scheme 2023. Collection method: clinical testing. Allele origin: germline.

PreventionGenetics, part of Exact Sciences
Classification: Likely benign for CREBBP-related condition. Last evaluated: 2023-12-04. Review status: no assertion criteria provided. Collection method: clinical testing. Allele origin: germline. Not counted in ClinVar's aggregate classification.
Comment: This variant is classified as likely benign based on ACMG/AMP sequence variant interpretation guidelines (Richards et al. 2015 PMID: 25741868, with internal and published modifications).

NM_004380.3(CREBBP):c.6651G>A (p.Gly2217=)

Gene: CREBBP (CREB binding lysine acetyltransferase; minus strand). Cytogenetic location: 16p13.3.
Variant type: single nucleotide variant.
Coding change: c.6651G>A on transcript NM_004380.3 (MANE Select); coding-DNA position 6651, G replaced by A.
Protein change: p.Gly2217=; no amino-acid change (glycine 2217 retained).
Molecular consequence: synonymous variant.
Genome position (GRCh38, 1-based): chr16:3,728,396, C>T on the plus strand (G>A on the coding strand, the complement: CREBBP is on the minus strand). VCF-style: chr16-3728396-C-T. GRCh37 (hg19) VCF-style: chr16-3778397-C-T.
Other names: c.6537G>A, p.Gly2179= (NM_001079846.1).
Identifiers: ClinVar variation 1754698 (VCV001754698.4), dbSNP rs770961609, ClinGen allele CA7869035.